The following is an entry in ClinVar:

ClinVar aggregate classification (germline): Uncertain significance (1 of 4 stars; one submission).

Conditions:
Jeune thoracic dystrophy. Also called: Jeune syndrome; Infantile thoracic dystrophy; Thoracic pelvic phalangeal dystrophy; Jeune's syndrome; Chondroectodermal dysplasia-like syndrome; Short-rib thoracic dysplasia. Identifiers: Orphanet 474, MedGen C0265275, MONDO:0018770.

Submission:

Labcorp Genetics (formerly Invitae), Labcorp
Classification: Uncertain significance for Jeune thoracic dystrophy. Last evaluated: 2022-02-09. Review status: criteria provided, single submitter. Criteria: Invitae Variant Classification Sherloc (09022015). Collection method: clinical testing. Allele origin: germline.
Comment: This variant has not been reported in the literature in individuals affected with IFT80-related conditions. This sequence change replaces phenylalanine, which is neutral and non-polar, with serine, which is neutral and polar, at codon 89 of the IFT80 protein (p.Phe89Ser). This variant is not present in population databases (gnomAD no frequency). ClinVar contains an entry for this variant (Variation ID: 961596). Algorithms developed to predict the effect of missense changes on protein structure and function (SIFT, PolyPhen-2, Align-GVGD) all suggest that this variant is likely to be disruptive. In summary, the available evidence is currently insufficient to determine the role of this variant in disease. Therefore, it has been classified as a Variant of Uncertain Significance.

NM_020800.3(IFT80):c.266T>C (p.Phe89Ser)

Genes: IFT80 (intraflagellar transport 80; minus strand), TRIM59-IFT80 (TRIM59-IFT80 readthrough (NMD candidate); minus strand). Cytogenetic location: 3q25.33.
Variant type: single nucleotide variant.
Coding change: c.266T>C on transcript NM_020800.3 (MANE Select); coding-DNA position 266, T replaced by C.
Protein change: p.Phe89Ser; replaces phenylalanine 89 with serine.
Molecular consequence: missense variant. On other transcripts: non-coding transcript variant (2), 5 prime UTR variant (2).
Genome position (GRCh38, 1-based): chr3:160,377,534, A>G on the plus strand (T>C on the coding strand, the complement: IFT80 is on the minus strand). VCF-style: chr3-160377534-A-G. GRCh37 (hg19) VCF-style: chr3-160095322-A-G.
Other names: c.-146T>C (NM_001190241.2, NM_001190242.2); short protein forms F89S.
Identifiers: ClinVar variation 961596 (VCV000961596.9), dbSNP rs965701938, ClinGen allele CA355194411.